The following is an entry in ClinVar:

ClinVar aggregate classification (germline): Uncertain significance. Review status: criteria provided, multiple submitters, no conflicts (2 of 4 stars). 2 submissions from 2 submitters: Uncertain significance (2). Last evaluated 2024-05-03.

Conditions:
Muscular dystrophy-dystroglycanopathy type B6 (MDDGB6). Also called: MUSCULAR DYSTROPHY, CONGENITAL, LARGE-RELATED; MUSCULAR DYSTROPHY, CONGENITAL, TYPE 1D; MUSCULAR DYSTROPHY-DYSTROGLYCANOPATHY (CONGENITAL WITH IMPAIRED INTELLECTUAL DEVELOPMENT), TYPE B, 6. Identifiers: MedGen C1837229, MONDO:0012138, OMIM 608840.

Allele frequency attached by ClinVar (database versions not stated): gnomAD exomes 0.00001; TOPMed 0.00001.
gnomAD v4.1: 11 of 1,614,190 alleles (0.00068%); highest among the groups gnomAD compares: South Asian, 0.0055%; no homozygotes.

Submissions (2):

Revvity Omics, Revvity
Classification: Uncertain significance. Last evaluated: 2024-05-03. Review status: criteria provided, single submitter. Criteria: ACMG Guidelines, 2015. Collection method: clinical testing. Allele origin: germline.

Labcorp Genetics (formerly Invitae), Labcorp
Classification: Uncertain significance for Muscular dystrophy-dystroglycanopathy type B6. Last evaluated: 2021-12-02. Review status: criteria provided, single submitter. Criteria: Invitae Variant Classification Sherloc (09022015). Collection method: clinical testing. Allele origin: germline.
Comment: This sequence change replaces lysine, which is basic and polar, with arginine, which is basic and polar, at codon 748 of the LARGE1 protein (p.Lys748Arg). This variant is present in population databases (no rsID available, gnomAD 0.006%). This variant has not been reported in the literature in individuals affected with LARGE1-related conditions. ClinVar contains an entry for this variant (Variation ID: 1016719). Algorithms developed to predict the effect of missense changes on protein structure and function are either unavailable or do not agree on the potential impact of this missense change (SIFT: "Tolerated"; PolyPhen-2: "Probably Damaging"; Align-GVGD: "Class C0"). In summary, the available evidence is currently insufficient to determine the role of this variant in disease. Therefore, it has been classified as a Variant of Uncertain Significance.

NM_133642.5(LARGE1):c.2243A>G (p.Lys748Arg)

Gene: LARGE1 (LARGE xylosyl- and glucuronyltransferase 1; minus strand). Cytogenetic location: 22q12.3.
Variant type: single nucleotide variant.
Coding change: c.2243A>G on transcript NM_133642.5 (MANE Select); coding-DNA position 2243, A replaced by G.
Protein change: p.Lys748Arg; replaces lysine 748 with arginine.
Molecular consequence: missense variant.
Genome position (GRCh38, 1-based): chr22:33,274,455, T>C on the plus strand (A>G on the coding strand, the complement: LARGE1 is on the minus strand). VCF-style: chr22-33274455-T-C. GRCh37 (hg19) VCF-style: chr22-33670441-T-C.
Other names: c.2243A>G (NM_004737.6); c.2243A>G, p.Lys748Arg (NM_001362949.2, NM_001362951.2, NM_001362953.2 and 4 more transcripts); c.2096A>G, p.Lys699Arg (NM_001378627.1, NM_001378628.1); c.2087A>G, p.Lys696Arg (NM_001378629.1); c.1640A>G, p.Lys547Arg (NM_001378630.1); c.1337A>G, p.Lys446Arg (NM_001378631.1); short protein forms K446R, K547R, K696R, K699R, K748R.
Identifiers: ClinVar variation 1016719 (VCV001016719.7), dbSNP rs1185896635, ClinGen allele CA411542238.